The following is an entry in ClinVar:

ClinVar aggregate classification (germline): Uncertain significance (1 of 4 stars; one submission).

Conditions:
Epidermolysis bullosa simplex with nail dystrophy (EBS5D). Identifiers: MedGen C4225309, MONDO:0014661, OMIM 616487.
Epidermolysis bullosa simplex, Ogna type (EBS5A). Also called: EPIDERMOLYSIS BULLOSA SIMPLEX 5A, OGNA TYPE; Pidermolysis bullosa simplex 5A, Ogna type. Identifiers: Orphanet 79401, MedGen C0432317, MONDO:0007555, OMIM 131950.
Autosomal recessive limb-girdle muscular dystrophy type 2Q (LGMDR17). Also called: MUSCULAR DYSTROPHY, LIMB-GIRDLE, AUTOSOMAL RECESSIVE 17. Identifiers: Orphanet 254361, MedGen C3150989, MONDO:0013390, OMIM 613723.
Epidermolysis bullosa simplex 5B, with muscular dystrophy (EBS5B). Also called: EPIDERMOLYSIS BULLOSA SIMPLEX AND LIMB-GIRDLE MUSCULAR DYSTROPHY; Epidermolysis bullosa simplex with muscular dystrophy. Identifiers: Orphanet 257, MedGen C2931072, MONDO:0009181, OMIM 226670.
Epidermolysis bullosa simplex 5C, with pyloric atresia (EBS5C). Also called: PLEC-Related Epidermolysis Bullosa with Pyloric Atresia; Epidermolysis bullosa simplex with pyloric atresia; PLEC1-Related Epidermolysis Bullosa with Pyloric Atresia. Identifiers: Orphanet 158684, MedGen C2677349, MONDO:0012807, OMIM 612138.

gnomAD v4.1: 13 of 1,612,784 alleles (0.00081%); highest among the groups gnomAD compares: Admixed American, 0.0033%; no homozygotes.

Submission:

Labcorp Genetics (formerly Invitae), Labcorp
Classification: Uncertain significance for Autosomal recessive limb-girdle muscular dystrophy type 2Q; Epidermolysis bullosa simplex, Ogna type; Epidermolysis bullosa simplex with nail dystrophy; Epidermolysis bullosa simplex 5C, with pyloric atresia; Epidermolysis bullosa simplex 5B, with muscular dystrophy. Last evaluated: 2025-04-29. Review status: criteria provided, single submitter. Criteria: Invitae Variant Classification Sherloc (09022015). Collection method: clinical testing. Allele origin: germline.
Comment: This sequence change replaces valine, which is neutral and non-polar, with methionine, which is neutral and non-polar, at codon 1344 of the PLEC protein (p.Val1344Met). This variant is not present in population databases (gnomAD no frequency). This variant has not been reported in the literature in individuals affected with PLEC-related conditions. Invitae Evidence Modeling of protein sequence and biophysical properties (such as structural, functional, and spatial information, amino acid conservation, physicochemical variation, residue mobility, and thermodynamic stability) has been performed for this missense variant. However, the output from this modeling did not meet the statistical confidence thresholds required to predict the impact of this variant on PLEC protein function. In summary, the available evidence is currently insufficient to determine the role of this variant in disease. Therefore, it has been classified as a Variant of Uncertain Significance.

NM_201384.3(PLEC):c.3949G>A (p.Val1317Met)

Gene: PLEC (plectin; minus strand). Cytogenetic location: 8q24.3.
Variant type: single nucleotide variant.
Coding change: c.3949G>A on transcript NM_201384.3 (MANE Select); coding-DNA position 3949, G replaced by A.
Protein change: p.Val1317Met; replaces valine 1317 with methionine.
Molecular consequence: missense variant.
Genome position (GRCh38, 1-based): chr8:143,926,879, C>T on the plus strand (G>A on the coding strand, the complement: PLEC is on the minus strand). VCF-style: chr8-143926879-C-T. GRCh37 (hg19) VCF-style: chr8-145001047-C-T.
Other names: c.3883G>A, p.Val1295Met (NM_201379.3); c.4360G>A, p.Val1454Met (NM_201380.4); c.3853G>A, p.Val1285Met (NM_201381.3); c.3949G>A, p.Val1317Met (NM_201382.4); c.3961G>A, p.Val1321Met (NM_201383.3); c.4030G>A, p.Val1344Met (NM_000445.5, NM_001410941.1); c.3907G>A, p.Val1303Met (NM_201378.4); short protein forms V1285M, V1303M, V1295M, V1454M, V1317M, V1321M, V1344M.
Identifiers: ClinVar variation 4788442 (VCV004788442.1).